The following is an entry in ClinVar:

NM_006231.4(POLE):c.3160A>C (p.Ile1054Leu)

Gene: POLE (DNA polymerase epsilon, catalytic subunit; minus strand). Cytogenetic location: 12q24.33.
Variant type: single nucleotide variant.
Coding change: c.3160A>C on transcript NM_006231.4 (MANE Select); coding-DNA position 3160, A replaced by C.
Protein change: p.Ile1054Leu; replaces isoleucine 1054 with leucine.
Molecular consequence: missense variant.
Genome position (GRCh38, 1-based): chr12:132,659,410, T>G on the plus strand (A>C on the coding strand, the complement: POLE is on the minus strand). VCF-style: chr12-132659410-T-G. GRCh37 (hg19) VCF-style: chr12-133235996-T-G.
Other names: short protein forms I1054L.
Identifiers: ClinVar variation 2854944 (VCV002854944.3), dbSNP rs2042629769, ClinGen allele CA387390890.

ClinVar aggregate classification (germline): Uncertain significance (1 of 4 stars; one submission).

Submission:

Labcorp Genetics (formerly Invitae), Labcorp
Classification: Uncertain significance. Last evaluated: 2023-04-11. Review status: criteria provided, single submitter. Criteria: Invitae Variant Classification Sherloc (09022015). Collection method: clinical testing. Allele origin: germline.
Comment: This variant is not present in population databases (gnomAD no frequency). This variant has not been reported in the literature in individuals affected with POLE-related conditions. Advanced modeling of protein sequence and biophysical properties (such as structural, functional, and spatial information, amino acid conservation, physicochemical variation, residue mobility, and thermodynamic stability) performed at Invitae indicates that this missense variant is not expected to disrupt POLE protein function. In summary, the available evidence is currently insufficient to determine the role of this variant in disease. Therefore, it has been classified as a Variant of Uncertain Significance. This sequence change replaces isoleucine, which is neutral and non-polar, with leucine, which is neutral and non-polar, at codon 1054 of the POLE protein (p.Ile1054Leu).